The following is an entry in ClinVar:

NM_005633.4(SOS1):c.1235T>C (p.Met412Thr)

Gene: SOS1 (SOS Ras/Rac guanine nucleotide exchange factor 1; minus strand). Cytogenetic location: 2p22.1.
Variant type: single nucleotide variant.
Coding change: c.1235T>C on transcript NM_005633.4 (MANE Select); coding-DNA position 1235, T replaced by C.
Protein change: p.Met412Thr; replaces methionine 412 with threonine.
Molecular consequence: missense variant.
Genome position (GRCh38, 1-based): chr2:39,023,193, A>G on the plus strand (T>C on the coding strand, the complement: SOS1 is on the minus strand). VCF-style: chr2-39023193-A-G. GRCh37 (hg19) VCF-style: chr2-39250334-A-G.
Other names: c.1214T>C, p.Met405Thr (NM_001382394.1); c.1235T>C, p.Met412Thr (NM_001382395.1); short protein forms M405T, M412T.
Identifiers: ClinVar variation 2860252 (VCV002860252.3), dbSNP rs1669852547, ClinGen allele CA346366643.

ClinVar aggregate classification (germline): Uncertain significance (1 of 4 stars; one submission).

Conditions:
RASopathy. Also called: Noonan spectrum disorder; rasopathies. Identifiers: Orphanet 536391, MedGen C5555857, MONDO:0021060.

Submission:

Labcorp Genetics (formerly Invitae), Labcorp
Classification: Uncertain significance for RASopathy. Last evaluated: 2023-04-28. Review status: criteria provided, single submitter. Criteria: Invitae Variant Classification Sherloc (09022015). Collection method: clinical testing. Allele origin: germline.
Comment: In summary, the available evidence is currently insufficient to determine the role of this variant in disease. Therefore, it has been classified as a Variant of Uncertain Significance. Advanced modeling of protein sequence and biophysical properties (such as structural, functional, and spatial information, amino acid conservation, physicochemical variation, residue mobility, and thermodynamic stability) has been performed at Invitae for this missense variant, however the output from this modeling did not meet the statistical confidence thresholds required to predict the impact of this variant on SOS1 protein function. This variant has not been reported in the literature in individuals affected with SOS1-related conditions. This variant is not present in population databases (gnomAD no frequency). This sequence change replaces methionine, which is neutral and non-polar, with threonine, which is neutral and polar, at codon 412 of the SOS1 protein (p.Met412Thr).